The following is an entry in ClinVar:

ClinVar aggregate classification (germline): Uncertain significance. Review status: criteria provided, multiple submitters, no conflicts (2 of 4 stars). 4 submissions from 4 submitters: Uncertain significance (3). 1 of the submissions does not count toward it. Last evaluated 2025-04-16.

Conditions:
VPS13A-related neurodegenerative disease. Also called: LEVINE-CRITCHLEY SYNDROME; Choreoacanthocytosis; Chorea-acanthocytosis; VPS13A Disease; Choreaacanthocytosis; ACANTHOCYTOSIS WITH NEUROLOGIC DISORDER. Identifiers: Orphanet 2388, MedGen C0393576, MONDO:0008695, OMIM 200150.
Inborn genetic diseases. Identifiers: MedGen C0950123, MeSH D030342.

Allele frequency attached by ClinVar (database versions not stated): TOPMed below 0.00001; gnomAD exomes 0.00001 and 0.00002; ExAC 0.00003.
gnomAD v4.1: 20 of 1,613,490 alleles (0.0012%); highest among the groups gnomAD compares: South Asian, 0.0033%; no homozygotes.

Submissions (4):

GeneDx
Classification: Uncertain significance. Last evaluated: 2025-04-16. Review status: criteria provided, single submitter. Criteria: GeneDx Variant Classification Process June 2021. Collection method: clinical testing. Allele origin: germline. Affected: yes.
Comment: Not observed at significant frequency in large population cohorts (gnomAD); In silico analysis indicates that this missense variant does not alter protein structure/function; Has not been previously published as pathogenic or benign to our knowledge

Ambry Genetics
Classification: Uncertain significance for Inborn genetic diseases. Last evaluated: 2022-09-22. Review status: criteria provided, single submitter. Criteria: Ambry Variant Classification Scheme 2023. Collection method: clinical testing. Allele origin: germline.

Labcorp Genetics (formerly Invitae), Labcorp
Classification: Uncertain significance. Last evaluated: 2022-01-12. Review status: criteria provided, single submitter. Criteria: Invitae Variant Classification Sherloc (09022015). Collection method: clinical testing. Allele origin: germline.
Comment: This sequence change replaces threonine, which is neutral and polar, with serine, which is neutral and polar, at codon 799 of the VPS13A protein (p.Thr799Ser). This variant is present in population databases (rs764645153, gnomAD 0.004%). This variant has not been reported in the literature in individuals affected with VPS13A-related conditions. ClinVar contains an entry for this variant (Variation ID: 1211881). Algorithms developed to predict the effect of missense changes on protein structure and function (SIFT, PolyPhen-2, Align-GVGD) all suggest that this variant is likely to be tolerated. In summary, the available evidence is currently insufficient to determine the role of this variant in disease. Therefore, it has been classified as a Variant of Uncertain Significance.

Natera, Inc.
Classification: Uncertain significance for Choreaacanthocytosis. Last evaluated: 2020-03-04. Review status: no assertion criteria provided. Collection method: clinical testing. Allele origin: germline. Not counted in ClinVar's aggregate classification.

NM_033305.3(VPS13A):c.2395A>T (p.Thr799Ser)

Gene: VPS13A (vacuolar protein sorting 13 homolog A; plus strand). Cytogenetic location: 9q21.2.
Variant type: single nucleotide variant.
Coding change: c.2395A>T on transcript NM_033305.3 (MANE Select); coding-DNA position 2395, A replaced by T.
Protein change: p.Thr799Ser; replaces threonine 799 with serine.
Molecular consequence: missense variant.
Genome position (GRCh38, 1-based): chr9:77,260,192, A>T. VCF-style: chr9-77260192-A-T. GRCh37 (hg19) VCF-style: chr9-79875108-A-T.
Other names: c.2395A>T, p.Thr799Ser (NM_001018037.2, NM_001018038.3, NM_015186.4); short protein forms T799S.
Identifiers: ClinVar variation 1211881 (VCV001211881.10), dbSNP rs764645153, ClinGen allele CA5091940.